The following is an entry in ClinVar:

NM_005188.4(CBL):c.1349C>T (p.Ala450Val)

Gene: CBL (Cbl proto-oncogene; plus strand). Cytogenetic location: 11q23.3.
Variant type: single nucleotide variant.
Coding change: c.1349C>T on transcript NM_005188.4 (MANE Select); coding-DNA position 1349, C replaced by T.
Protein change: p.Ala450Val; replaces alanine 450 with valine.
Molecular consequence: missense variant.
Genome position (GRCh38, 1-based): chr11:119,278,631, C>T. VCF-style: chr11-119278631-C-T. GRCh37 (hg19) VCF-style: chr11-119149341-C-T.
Other names: short protein forms A450V.
Identifiers: ClinVar variation 2320934 (VCV002320934.5), dbSNP rs2135304733, ClinGen allele CA382914450.
Genomic context (GRCh38, chr11:119,278,631, plus strand): 5'-TGGTAGATCCGTTTGATCCTAGAGGGAGTGGCAGCCTGTTGAGGCAAGGAGCAGAGGGAG[C>T]TCCCTCCCCAAATTATGATGATGATGATGATGAACGAGCTGATGATACTCTCTTCATGAT-3'
Protein context (NP_005179.2, residues 440-460): GSLLRQGAEG[Ala450Val]PSPNYDDDDD

ClinVar aggregate classification (germline): Uncertain significance. Review status: criteria provided, multiple submitters, no conflicts (2 of 4 stars). 2 submissions from 2 submitters: Uncertain significance (2). Last evaluated 2023-06-18.

Conditions:
Cardiovascular phenotype. Identifiers: MedGen CN230736.
RASopathy. Also called: rasopathies; Noonan spectrum disorder. Identifiers: Orphanet 536391, MedGen C5555857, MONDO:0021060.

Allele frequency attached by ClinVar (database versions not stated): gnomAD exomes below 0.00001.
gnomAD v4.1: 1 of 1,613,978 alleles (0.000062%); highest among the groups gnomAD compares: Non-Finnish European, 0.000085%; no homozygotes.

Submissions (2):

Labcorp Genetics (formerly Invitae), Labcorp
Classification: Uncertain significance for RASopathy. Last evaluated: 2023-06-18. Review status: criteria provided, single submitter. Criteria: Invitae Variant Classification Sherloc (09022015). Collection method: clinical testing. Allele origin: germline.
Comment: This sequence change replaces alanine, which is neutral and non-polar, with valine, which is neutral and non-polar, at codon 450 of the CBL protein (p.Ala450Val). This variant is not present in population databases (gnomAD no frequency). This variant has not been reported in the literature in individuals affected with CBL-related conditions. ClinVar contains an entry for this variant (Variation ID: 2320934). Advanced modeling of protein sequence and biophysical properties (such as structural, functional, and spatial information, amino acid conservation, physicochemical variation, residue mobility, and thermodynamic stability) performed at Invitae indicates that this missense variant is not expected to disrupt CBL protein function. In summary, the available evidence is currently insufficient to determine the role of this variant in disease. Therefore, it has been classified as a Variant of Uncertain Significance.

Ambry Genetics
Classification: Uncertain significance for Cardiovascular phenotype. Last evaluated: 2022-10-26. Review status: criteria provided, single submitter. Criteria: Ambry Variant Classification Scheme 2023. Collection method: clinical testing. Allele origin: germline.